The following is an entry in ClinVar:

NM_006073.4(TRDN):c.1874A>C (p.Lys625Thr)

Gene: TRDN (triadin; minus strand). Cytogenetic location: 6q22.31.
Variant type: single nucleotide variant.
Coding change: c.1874A>C on transcript NM_006073.4 (MANE Select); coding-DNA position 1874, A replaced by C.
Protein change: p.Lys625Thr; replaces lysine 625 with threonine.
Molecular consequence: missense variant.
Genome position (GRCh38, 1-based): chr6:123,255,899, T>G on the plus strand (A>C on the coding strand, the complement: TRDN is on the minus strand). VCF-style: chr6-123255899-T-G. GRCh37 (hg19) VCF-style: chr6-123577044-T-G.
Other names: short protein forms K625T.
Identifiers: ClinVar variation 838218 (VCV000838218.11), dbSNP rs1776539318, ClinGen allele CA365562384.

ClinVar aggregate classification (germline): Uncertain significance (1 of 4 stars; one submission).

Conditions:
Catecholaminergic polymorphic ventricular tachycardia 1. Also called: VENTRICULAR TACHYCARDIA, CATECHOLAMINERGIC POLYMORPHIC, 1, WITH OR WITHOUT ATRIAL DYSFUNCTION AND/OR DILATED CARDIOMYOPATHY; RYR2-Related Catecholaminergic Polymorphic Ventricular Tachycardia; VENTRICULAR TACHYCARDIA, STRESS-INDUCED POLYMORPHIC 1. Identifiers: Orphanet 3286, MedGen C1631597, MONDO:0011484, OMIM 604772.

Submission:

Labcorp Genetics (formerly Invitae), Labcorp
Classification: Uncertain significance for Catecholaminergic polymorphic ventricular tachycardia 1. Last evaluated: 2019-04-12. Review status: criteria provided, single submitter. Criteria: Invitae Variant Classification Sherloc (09022015). Collection method: clinical testing. Allele origin: germline.
Comment: In summary, the available evidence is currently insufficient to determine the role of this variant in disease. Therefore, it has been classified as a Variant of Uncertain Significance. Algorithms developed to predict the effect of missense changes on protein structure and function are either unavailable or do not agree on the potential impact of this missense change (SIFT: "Deleterious"; PolyPhen-2: "Probably Damaging"; Align-GVGD: "Class C0"). This variant has not been reported in the literature in individuals with TRDN-related conditions. The frequency data for this variant in the population databases is considered unreliable, as metrics indicate insufficient coverage at this position in the ExAC database. This sequence change replaces lysine with threonine at codon 625 of the TRDN protein (p.Lys625Thr). The lysine residue is moderately conserved and there is a moderate physicochemical difference between lysine and threonine.